The following is an entry in ClinVar:

NM_017849.4(TMEM127):c.527G>T (p.Ser176Ile)

Gene: TMEM127 (transmembrane protein 127; minus strand). Cytogenetic location: 2q11.2.
Variant type: single nucleotide variant.
Coding change: c.527G>T on transcript NM_017849.4 (MANE Select); coding-DNA position 527, G replaced by T.
Protein change: p.Ser176Ile; replaces serine 176 with isoleucine.
Molecular consequence: missense variant.
Genome position (GRCh38, 1-based): chr2:96,253,998, C>A on the plus strand (G>T on the coding strand, the complement: TMEM127 is on the minus strand). VCF-style: chr2-96253998-C-A. GRCh37 (hg19) VCF-style: chr2-96919736-C-A.
Other names: c.527G>T (NM_017849.3); c.527G>T, p.Ser176Ile (NM_001193304.3); short protein forms S176I.
Identifiers: ClinVar variation 1430096 (VCV001430096.8), dbSNP rs2104284475, ClinGen allele CA347652530.
Genomic context (GRCh38, chr2:96,253,998, plus strand): 5'-AGGAGGTTGGCTGCCGTGGCCAGGATTGAGGCTCCACCAGCTCCTGCCACCAGGTAGAAG[C>A]TAACGGCGAAGGTGACATAGACCTGGGATCCATGGTACTTCTTATGCTGCTGCTGCTGGG-3'
Protein context (NP_060319.1, residues 166-186): GSQVYVTFAV[Ser176Ile]FYLVAGAGGA

ClinVar aggregate classification (germline): Uncertain significance. Review status: criteria provided, multiple submitters, no conflicts (2 of 4 stars). 2 submissions from 2 submitters: Uncertain significance (2). Last evaluated 2025-10-31.

Conditions:
Hereditary cancer-predisposing syndrome. Also called: Tumor predisposition; Hereditary Cancer Syndrome; Hereditary neoplastic syndrome; Neoplastic Syndromes, Hereditary. Identifiers: Orphanet 140162, MedGen C0027672, MeSH D009386, MONDO:0015356.
Hereditary pheochromocytoma and paraganglioma. Also called: Hereditary paragangliomas and pheochromocytomas; Hereditary Paraganglioma-Pheochromocytoma Syndromes; Hereditary pheochromocytoma-paraganglioma. Identifiers: Orphanet 29072, MedGen C4274332, MONDO:0017366.

Submissions (2):

Ambry Genetics
Classification: Uncertain significance for Hereditary cancer-predisposing syndrome. Last evaluated: 2025-10-31. Review status: criteria provided, single submitter. Criteria: Ambry Variant Classification Scheme 2023. Collection method: clinical testing. Allele origin: germline.
Comment: The p.S176I variant (also known as c.527G>T), located in coding exon 3 of the TMEM127 gene, results from a G to T substitution at nucleotide position 527. The serine at codon 176 is replaced by isoleucine, an amino acid with dissimilar properties. This amino acid position is conserved. In addition, this alteration is predicted to be deleterious by in silico analysis. Based on the available evidence, the clinical significance of this variant remains unclear.

Labcorp Genetics (formerly Invitae), Labcorp
Classification: Uncertain significance for Hereditary pheochromocytoma and paraganglioma. Last evaluated: 2021-11-07. Review status: criteria provided, single submitter. Criteria: Invitae Variant Classification Sherloc (09022015). Collection method: clinical testing. Allele origin: germline.
Comment: This sequence change replaces serine, which is neutral and polar, with isoleucine, which is neutral and non-polar, at codon 176 of the TMEM127 protein (p.Ser176Ile). This variant is not present in population databases (gnomAD no frequency). This variant has not been reported in the literature in individuals affected with TMEM127-related conditions. Algorithms developed to predict the effect of missense changes on protein structure and function (SIFT, PolyPhen-2, Align-GVGD) all suggest that this variant is likely to be disruptive. In summary, the available evidence is currently insufficient to determine the role of this variant in disease. Therefore, it has been classified as a Variant of Uncertain Significance.